The following is an entry in ClinVar:

ClinVar aggregate classification (germline): Pathogenic (1 of 4 stars; one submission).

Conditions:
Epilepsy, familial adult myoclonic, 5 (EPEO5). Also called: CORTICAL MYOCLONIC TREMOR WITH EPILEPSY, FAMILIAL, 5. Identifiers: Orphanet 86814, MedGen C3809374, MONDO:0014167, OMIM 615400.

Allele frequency attached by ClinVar (database versions not stated): gnomAD exomes below 0.00001.
gnomAD v4.1: 4 of 1,614,188 alleles (0.00025%); highest among the groups gnomAD compares: African/African-American, 0.0013%; no homozygotes.

Submission:

Labcorp Genetics (formerly Invitae), Labcorp
Classification: Pathogenic for Epilepsy, familial adult myoclonic, 5. Last evaluated: 2022-09-16. Review status: criteria provided, single submitter. Criteria: Invitae Variant Classification Sherloc (09022015). Collection method: clinical testing. Allele origin: germline.
Comment: For these reasons, this variant has been classified as Pathogenic. ClinVar contains an entry for this variant (Variation ID: 541408). This variant has not been reported in the literature in individuals affected with CNTN2-related conditions. This variant is not present in population databases (gnomAD no frequency). This sequence change creates a premature translational stop signal (p.Arg196*) in the CNTN2 gene. It is expected to result in an absent or disrupted protein product. Loss-of-function variants in CNTN2 are known to be pathogenic (PMID: 11178983, 23518707).

Literature cited by the submitters: PubMed 11178983; PubMed 23518707.

NM_005076.5(CNTN2):c.586C>T (p.Arg196Ter)

Gene: CNTN2 (contactin 2; plus strand). Cytogenetic location: 1q32.1.
Variant type: single nucleotide variant.
Coding change: c.586C>T on transcript NM_005076.5 (MANE Select); coding-DNA position 586, C replaced by T.
Protein change: p.Arg196Ter; replaces arginine 196 with a stop codon.
Molecular consequence: nonsense. On other transcripts: non-coding transcript variant (1).
Genome position (GRCh38, 1-based): chr1:205,059,182, C>T. VCF-style: chr1-205059182-C-T. GRCh37 (hg19) VCF-style: chr1-205028310-C-T.
Other names: c.586C>T, p.Arg196Ter (NM_001346083.2); short protein forms R196*.
Identifiers: ClinVar variation 541408 (VCV000541408.6), dbSNP rs537026414, ClinGen allele CA344406800.